The following is an entry in ClinVar:

ClinVar aggregate classification (germline): Uncertain significance. Review status: criteria provided, multiple submitters, no conflicts (2 of 4 stars). 2 submissions from 2 submitters: Uncertain significance (2). Last evaluated 2026-02-23.

Conditions:
Inborn genetic diseases. Identifiers: MedGen C0950123, MeSH D030342.

Submissions (2):

Ambry Genetics
Classification: Uncertain significance for Inborn genetic diseases. Last evaluated: 2026-02-23. Review status: criteria provided, single submitter. Criteria: Ambry Variant Classification Scheme 2023. Collection method: clinical testing. Allele origin: germline.
Comment: The p.S642C variant (also known as c.1925C>G), located in coding exon 8 of the MECOM gene, results from a C to G substitution at nucleotide position 1925. The serine at codon 642 is replaced by cysteine, an amino acid with dissimilar properties. This amino acid position is conserved. In addition, the in silico prediction for this alteration is inconclusive. Based on the available evidence, the clinical significance of this variant remains unclear.

Labcorp Genetics (formerly Invitae), Labcorp
Classification: Uncertain significance. Last evaluated: 2022-05-21. Review status: criteria provided, single submitter. Criteria: Invitae Variant Classification Sherloc (09022015). Collection method: clinical testing. Allele origin: germline.
Comment: In summary, the available evidence is currently insufficient to determine the role of this variant in disease. Therefore, it has been classified as a Variant of Uncertain Significance. Algorithms developed to predict the effect of missense changes on protein structure and function are either unavailable or do not agree on the potential impact of this missense change (SIFT: "Deleterious"; PolyPhen-2: "Probably Damaging"; Align-GVGD: "Class C0"). This variant has not been reported in the literature in individuals affected with MECOM-related conditions. This variant is present in population databases (no rsID available, gnomAD 0.0009%). This sequence change replaces serine, which is neutral and polar, with cysteine, which is neutral and slightly polar, at codon 454 of the MECOM protein (p.Ser454Cys).

NM_004991.4(MECOM):c.1925C>G (p.Ser642Cys)

Gene: MECOM (MDS1 and EVI1 complex locus; minus strand). Cytogenetic location: 3q26.2.
Variant type: single nucleotide variant.
Coding change: c.1925C>G on transcript NM_004991.4 (MANE Select); coding-DNA position 1925, C replaced by G.
Protein change: p.Ser642Cys; replaces serine 642 with cysteine.
Molecular consequence: missense variant. On other transcripts: intron variant (2).
Genome position (GRCh38, 1-based): chr3:169,115,947, G>C on the plus strand (C>G on the coding strand, the complement: MECOM is on the minus strand). VCF-style: chr3-169115947-G-C. GRCh37 (hg19) VCF-style: chr3-168833735-G-C.
Other names: c.1925C>G (NM_004991.3); c.1556C>G, p.Ser519Cys (NM_001105077.4); c.1361C>G, p.Ser454Cys (NM_001105078.4, NM_001164000.2, NM_001205194.2 and 4 more transcripts); c.1364C>G, p.Ser455Cys (NM_001163999.2, NM_001366467.2, NM_001366468.2 and 1 more transcripts); c.1925C>G, p.Ser642Cys (NM_001366466.2); c.1133-180C>G (NM_001366473.2); c.569-180C>G (NM_001366474.2); short protein forms S642C, S454C, S455C, S519C.
Identifiers: ClinVar variation 1977662 (VCV001977662.7), dbSNP rs1262853888, ClinGen allele CA355087025.